The following is an entry in ClinVar:

NM_006289.4(TLN1):c.6609C>T (p.Ala2203=)

Gene: TLN1 (talin 1; minus strand). Cytogenetic location: 9p13.3.
Variant type: single nucleotide variant.
Coding change: c.6609C>T on transcript NM_006289.4 (MANE Select); coding-DNA position 6609, C replaced by T.
Protein change: p.Ala2203=; no amino-acid change (alanine 2203 retained).
Molecular consequence: synonymous variant.
Genome position (GRCh38, 1-based): chr9:35,700,242, G>A on the plus strand (C>T on the coding strand, the complement: TLN1 is on the minus strand). VCF-style: chr9-35700242-G-A. GRCh37 (hg19) VCF-style: chr9-35700239-G-A.
Identifiers: ClinVar variation 3771654 (VCV003771654.13).

ClinVar aggregate classification (germline): Likely benign (1 of 4 stars; one submission).

Submission:

CeGaT Center for Human Genetics Tuebingen
Classification: Likely benign. Last evaluated: 2024-12-01. Review status: criteria provided, single submitter. Criteria: CeGaT Center For Human Genetics Tuebingen Variant Classification Criteria Version 2. Collection method: clinical testing. Allele origin: germline. Affected: yes. Observed: 1 variant allele.
Comment: TLN1: PM2:Supporting, BP4, BP7